The following is an entry in ClinVar:

NM_001042492.3(NF1):c.2464G>A (p.Gly822Arg)

Gene: NF1 (neurofibromin 1; plus strand). Cytogenetic location: 17q11.2.
Variant type: single nucleotide variant.
Coding change: c.2464G>A on transcript NM_001042492.3 (MANE Select); coding-DNA position 2464, G replaced by A.
Protein change: p.Gly822Arg; replaces glycine 822 with arginine.
Molecular consequence: missense variant.
Genome position (GRCh38, 1-based): chr17:31,229,079, G>A. VCF-style: chr17-31229079-G-A. GRCh37 (hg19) VCF-style: chr17-29556097-G-A.
Other names: c.2464G>A, p.Gly822Arg (NM_000267.4); short protein forms G822R.
Identifiers: ClinVar variation 949206 (VCV000949206.11), dbSNP rs2067065463, ClinGen allele CA398983971.
Genomic context (GRCh38, chr17:31,229,079, plus strand): 5'-GTTTAGGCTGCTGAAAGCCTTCACAAGACCATTGTTAAGAGGCGAATGTCCCATGTGAGT[G>A]GAGGAGGATCCATAGATTTGTCTGACACAGACTCCCTACAGGAATGGATCAACATGACTG-3'
Protein context (NP_001035957.1, residues 812-832): IVKRRMSHVS[Gly822Arg]GGSIDLSDTD

ClinVar aggregate classification (germline): Conflicting classifications of pathogenicity. Review status: criteria provided, conflicting classifications (1 of 4 stars). 4 submissions from 4 submitters: Uncertain significance (3); Likely benign (1). Last evaluated 2026-05-02.

Conditions:
Hereditary cancer-predisposing syndrome. Also called: Hereditary Cancer Syndrome; Neoplastic Syndromes, Hereditary; Hereditary neoplastic syndrome; Tumor predisposition. Identifiers: Orphanet 140162, MedGen C0027672, MeSH D009386, MONDO:0015356.
Cardiovascular phenotype. Identifiers: MedGen CN230736.
Neurofibromatosis, type 1 (NF1). Also called: Peripheral type neurofibromatosis; Neurofibromatosis, type I; VON RECKLINGHAUSEN DISEASE; NEUROFIBROMATOSIS, TYPE I, SOMATIC. Identifiers: Orphanet 636, MedGen C0027831, MONDO:0018975, OMIM 162200. Disease mechanism: loss of function.

Submissions (4):

Centre for Medical Genetics,  Mumbai
Classification: Likely benign for Neurofibromatosis, type 1. Last evaluated: 2026-05-02. Review status: criteria provided, single submitter. Criteria: ACMG Guidelines, 2015. Collection method: provider interpretation. Allele origin: germline. Inheritance: Autosomal dominant inheritance. Affected: no. Observed: 1 variant allele, 1 heterozygote.
Comment: The variant satisfies PM2 criteria - extremely low frequency in gnomAD population databases. The variant satisfies PP2 criteria - missense variant in a gene with low rate of benign missense mutations and for which missense mutation is a common mechanism of a disease. However, the variant satisfies BS2 criteria - present in heterozygous state in an individual that clinically does not have Neurofibromatosis.

Quest Diagnostics Nichols Institute San Juan Capistrano
Classification: Uncertain significance. Last evaluated: 2025-08-19. Review status: criteria provided, single submitter. Criteria: Quest Diagnostics criteria. Collection method: clinical testing. Allele origin: unknown.

Labcorp Genetics (formerly Invitae), Labcorp
Classification: Uncertain significance for Neurofibromatosis, type 1. Last evaluated: 2022-04-05. Review status: criteria provided, single submitter. Criteria: Invitae Variant Classification Sherloc (09022015). Collection method: clinical testing. Allele origin: germline.
Comment: In summary, the available evidence is currently insufficient to determine the role of this variant in disease. Therefore, it has been classified as a Variant of Uncertain Significance. Algorithms developed to predict the effect of sequence changes on RNA splicing suggest that this variant may create or strengthen a splice site. Advanced modeling of protein sequence and biophysical properties (such as structural, functional, and spatial information, amino acid conservation, physicochemical variation, residue mobility, and thermodynamic stability) performed at Invitae indicates that this missense variant is not expected to disrupt NF1 protein function. ClinVar contains an entry for this variant (Variation ID: 949206). This variant has not been reported in the literature in individuals affected with NF1-related conditions. This variant is not present in population databases (gnomAD no frequency). This sequence change replaces glycine, which is neutral and non-polar, with arginine, which is basic and polar, at codon 822 of the NF1 protein (p.Gly822Arg).

Ambry Genetics
Classification: Uncertain significance for Cardiovascular phenotype; Hereditary cancer-predisposing syndrome. Last evaluated: 2021-09-14. Review status: criteria provided, single submitter. Criteria: Ambry Variant Classification Scheme 2023. Collection method: clinical testing. Allele origin: germline.
Comment: The p.G822R variant (also known as c.2464G>A), located in coding exon 21 of the NF1 gene, results from a G to A substitution at nucleotide position 2464. The glycine at codon 822 is replaced by arginine, an amino acid with dissimilar properties. This amino acid position is highly conserved in available vertebrate species. In addition, the in silico prediction for this alteration is inconclusive. Since supporting evidence is limited at this time, the clinical significance of this alteration remains unclear.

Literature cited by the submitters: PubMed 2134734 (cited by Centre for Medical Genetics,  Mumbai).